The following is an entry in ClinVar:

NM_032608.7(MYO18B):c.3584G>A (p.Arg1195Gln)

Gene: MYO18B (myosin XVIIIB; plus strand). Cytogenetic location: 22q12.1.
Variant type: single nucleotide variant.
Coding change: c.3584G>A on transcript NM_032608.7 (MANE Select); coding-DNA position 3584, G replaced by A.
Protein change: p.Arg1195Gln; replaces arginine 1195 with glutamine.
Molecular consequence: missense variant.
Genome position (GRCh38, 1-based): chr22:25,847,461, G>A. VCF-style: chr22-25847461-G-A. GRCh37 (hg19) VCF-style: chr22-26243428-G-A.
Other names: c.3587G>A, p.Arg1196Gln (NM_001318245.2); short protein forms R1195Q, R1196Q.
Identifiers: ClinVar variation 2420042 (VCV002420042.3), dbSNP rs1429133479, ClinGen allele CA411000247.
Genomic context (GRCh38, chr22:25,847,461, plus strand): 5'-TGGCCCTGACCTCCCTCTATTTGGTCTAGGATGCGCTGACCAGCATGATCAAAAGGTCCC[G>A]GCTGCACTTTATCCACTGCCTGGTACCAAACCCTGTGGTGGAAAGCAGGAGTGGGCAGGA-3'
Protein context (NP_115997.5, residues 1185-1205): DALTSMIKRS[Arg1195Gln]LHFIHCLVPN

ClinVar aggregate classification (germline): Uncertain significance (1 of 4 stars; one submission).

Allele frequency attached by ClinVar (database versions not stated): gnomAD 0.00001; gnomAD exomes 0.00001; TOPMed 0.00001.
gnomAD v4.1: 18 of 1,577,474 alleles (0.0011%); highest among the groups gnomAD compares: East Asian, 0.0047%; no homozygotes.

Submission:

Labcorp Genetics (formerly Invitae), Labcorp
Classification: Uncertain significance. Last evaluated: 2022-09-27. Review status: criteria provided, single submitter. Criteria: Invitae Variant Classification Sherloc (09022015). Collection method: clinical testing. Allele origin: germline.
Comment: This sequence change replaces arginine, which is basic and polar, with glutamine, which is neutral and polar, at codon 1195 of the MYO18B protein (p.Arg1195Gln). The frequency data for this variant in the population databases is considered unreliable, as metrics indicate poor data quality at this position in the gnomAD database. This variant has not been reported in the literature in individuals affected with MYO18B-related conditions. Algorithms developed to predict the effect of missense changes on protein structure and function output the following: SIFT: "Not Available"; PolyPhen-2: "Benign"; Align-GVGD: "Not Available". The glutamine amino acid residue is found in multiple mammalian species, which suggests that this missense change does not adversely affect protein function. In summary, the available evidence is currently insufficient to determine the role of this variant in disease. Therefore, it has been classified as a Variant of Uncertain Significance.